The following is an entry in ClinVar:

ClinVar aggregate classification (germline): Uncertain significance (1 of 4 stars; one submission).

Conditions:
Bethlem myopathy 1A. Also called: MYOPATHY, BENIGN CONGENITAL, WITH CONTRACTURES; Bethlem myopathy 1; Bethlem Muscular Dystrophy. Identifiers: Orphanet 610, MedGen CN029274, MONDO:0024530, OMIM 158810.

Submission:

Labcorp Genetics (formerly Invitae), Labcorp
Classification: Uncertain significance for Bethlem myopathy 1A. Last evaluated: 2023-12-19. Review status: criteria provided, single submitter. Criteria: Invitae Variant Classification Sherloc (09022015). Collection method: clinical testing. Allele origin: germline.
Comment: This sequence change replaces alanine, which is neutral and non-polar, with proline, which is neutral and non-polar, at codon 2443 of the COL6A3 protein (p.Ala2443Pro). This variant is not present in population databases (gnomAD no frequency). This variant has not been reported in the literature in individuals affected with COL6A3-related conditions. Advanced modeling of protein sequence and biophysical properties (such as structural, functional, and spatial information, amino acid conservation, physicochemical variation, residue mobility, and thermodynamic stability) performed at Invitae indicates that this missense variant is expected to disrupt COL6A3 protein function with a positive predictive value of 80%. In summary, the available evidence is currently insufficient to determine the role of this variant in disease. Therefore, it has been classified as a Variant of Uncertain Significance.

NM_004369.4(COL6A3):c.7327G>C (p.Ala2443Pro)

Gene: COL6A3 (collagen type VI alpha 3 chain; minus strand). Cytogenetic location: 2q37.3.
Variant type: single nucleotide variant.
Coding change: c.7327G>C on transcript NM_004369.4 (MANE Select); coding-DNA position 7327, G replaced by C.
Protein change: p.Ala2443Pro; replaces alanine 2443 with proline.
Molecular consequence: missense variant.
Genome position (GRCh38, 1-based): chr2:237,344,691, C>G on the plus strand (G>C on the coding strand, the complement: COL6A3 is on the minus strand). VCF-style: chr2-237344691-C-G. GRCh37 (hg19) VCF-style: chr2-238253334-C-G.
Other names: c.6709G>C, p.Ala2237Pro (NM_057167.4); c.5506G>C, p.Ala1836Pro (NM_057166.5); short protein forms A1836P, A2443P, A2237P.
Identifiers: ClinVar variation 2701814 (VCV002701814.3), dbSNP rs1345727801, ClinGen allele CA351203756.